The following is an entry in ClinVar:

NM_001375808.2(LPIN2):c.1888G>A (p.Gly630Ser)

Gene: LPIN2 (lipin 2; minus strand). Cytogenetic location: 18p11.31.
Variant type: single nucleotide variant.
Coding change: c.1888G>A on transcript NM_001375808.2 (MANE Select); coding-DNA position 1888, G replaced by A.
Protein change: p.Gly630Ser; replaces glycine 630 with serine.
Molecular consequence: missense variant.
Genome position (GRCh38, 1-based): chr18:2,925,274, C>T on the plus strand (G>A on the coding strand, the complement: LPIN2 is on the minus strand). VCF-style: chr18-2925274-C-T. GRCh37 (hg19) VCF-style: chr18-2925272-C-T.
Other names: c.1888G>A, p.Gly630Ser (NM_001375809.1, NM_014646.2); short protein forms G630S.
Identifiers: ClinVar variation 891177 (VCV000891177.24), dbSNP rs148607670, ClinGen allele CA8872925.

ClinVar aggregate classification (germline): Conflicting classifications of pathogenicity. Review status: criteria provided, conflicting classifications (1 of 4 stars). 7 submissions from 7 submitters: Uncertain significance (4); Likely benign (3). Last evaluated 2026-03-19.

Conditions:
Autoinflammatory syndrome. Identifiers: Orphanet 93665, MedGen C3890737, MONDO:0019751.
Majeed syndrome (MJDS). Also called: LPIN2-Related Majeed Syndrome; CHRONIC RECURRENT MULTIFOCAL OSTEOMYELITIS 1, WITH CONGENITAL DYSERYTHROPOIETIC ANEMIA, WITH OR WITHOUT NEUTROPHILIC DERMATOSIS. Identifiers: Orphanet 77297, MedGen C1864997, MONDO:0012316, OMIM 609628.

Allele frequency attached by ClinVar (database versions not stated): gnomAD 0.00006 and 0.00011; TOPMed 0.00012; ExAC 0.00016; gnomAD exomes 0.00017; 1000 Genomes Project 30x 0.00125; 1000 Genomes Project 0.00140.
gnomAD v4.1: 103 of 1,614,110 alleles (0.0064%); highest among the groups gnomAD compares: East Asian, 0.19%; 1 homozygote.

Submissions (7):

GeneDx
Classification: Uncertain significance. Last evaluated: 2026-03-19. Review status: criteria provided, single submitter. Criteria: GeneDx Variant Classification Process June 2021. Collection method: clinical testing. Allele origin: germline.
Comment: In silico analysis suggests that this missense variant does not alter protein structure/function; Has not been previously published as pathogenic or benign to our knowledge

Labcorp Genetics (formerly Invitae), Labcorp
Classification: Likely benign for Majeed syndrome. Last evaluated: 2025-11-11. Review status: criteria provided, single submitter. Criteria: Invitae Variant Classification Sherloc (09022015). Collection method: clinical testing. Allele origin: germline.

Revvity Omics, Revvity
Classification: Uncertain significance for Majeed syndrome. Last evaluated: 2024-12-23. Review status: criteria provided, single submitter. Criteria: ACMG Guidelines, 2015. Collection method: clinical testing. Allele origin: germline.

Blueprint Genetics
Classification: Likely benign. Last evaluated: 2024-02-29. Review status: criteria provided, single submitter. Criteria: ACMG Guidelines, 2015. Collection method: clinical testing. Allele origin: germline.

ARUP Laboratories, Molecular Genetics and Genomics, ARUP Laboratories
Classification: Uncertain significance for Majeed syndrome. Last evaluated: 2019-08-15. Review status: criteria provided, single submitter. Criteria: ARUP Molecular Germline Variant Investigation Process. Collection method: clinical testing. Allele origin: germline.
Comment: The LPIN2 c.1888G>A; p.Gly630Ser variant (rs148607670), to our knowledge, is not reported in the medical literature or gene-specific databases. The variant is reported in the general population with an overall allele frequency of 0.016% (47/282,862 alleles) in the Genome Aggregation Database. The amino acid at this position is weakly conserved and computational algorithms (PolyPhen-2, SIFT) predict this variant is tolerated. Due to limited information, the clinical significance of this variant cannot be determined.

Illumina Laboratory Services, Illumina
Classification: Uncertain significance for Majeed syndrome. Last evaluated: 2018-01-12. Review status: criteria provided, single submitter. Criteria: ICSL Variant Classification Criteria 13 December 2019. Collection method: clinical testing. Allele origin: germline.

Genome Diagnostics Laboratory, The Hospital for Sick Children
Classification: Likely benign for Autoinflammatory syndrome. Last evaluated: 2017-12-01. Review status: criteria provided, single submitter. Criteria: ACMG Guidelines, 2015. Collection method: clinical testing. Allele origin: germline. Affected: yes.